The following is an entry in ClinVar:

NM_020937.4(FANCM):c.414C>G (p.Val138=)

Gene: FANCM (FA complementation group M; plus strand). Cytogenetic location: 14q21.2.
Variant type: single nucleotide variant.
Coding change: c.414C>G on transcript NM_020937.4 (MANE Select); coding-DNA position 414, C replaced by G.
Protein change: p.Val138=; no amino-acid change (valine 138 retained).
Molecular consequence: synonymous variant.
Genome position (GRCh38, 1-based): chr14:45,136,445, C>G. VCF-style: chr14-45136445-C-G. GRCh37 (hg19) VCF-style: chr14-45605648-C-G.
Other names: c.414C>G, p.Val138= (NM_001308133.2, NM_001308134.2).
Identifiers: ClinVar variation 1109636 (VCV001109636.17), dbSNP rs2139103448, ClinGen allele CA486346101.

ClinVar aggregate classification (germline): Likely benign. Review status: criteria provided, multiple submitters, no conflicts (2 of 4 stars). 2 submissions from 2 submitters: Likely benign (2). Last evaluated 2025-07-01.

Conditions:
Fanconi anemia (FA). Also called: Fanconi's anemia. Identifiers: Orphanet 84, MedGen C0015625, MeSH D005199, MONDO:0019391.

Allele frequency attached by ClinVar (database versions not stated): gnomAD exomes below 0.00001.
gnomAD v4.1: 1 of 1,614,196 alleles (0.000062%); highest among the groups gnomAD compares: Non-Finnish European, 0.000085%; no homozygotes.

Submissions (2):

CeGaT Center for Human Genetics Tuebingen
Classification: Likely benign. Last evaluated: 2025-07-01. Review status: criteria provided, single submitter. Criteria: CeGaT Center For Human Genetics Tuebingen Variant Classification Criteria Version 2. Collection method: clinical testing. Allele origin: germline. Affected: yes. Observed: 1 variant allele.
Comment: FANCM: BP4, BP7

Labcorp Genetics (formerly Invitae), Labcorp
Classification: Likely benign for Fanconi anemia. Last evaluated: 2022-01-27. Review status: criteria provided, single submitter. Criteria: Invitae Variant Classification Sherloc (09022015). Collection method: clinical testing. Allele origin: germline.